The following is an entry in ClinVar:

ClinVar aggregate classification (germline): Uncertain significance (1 of 4 stars; one submission).

gnomAD v4.1: 2 of 1,613,538 alleles (0.00012%); highest among the groups gnomAD compares: Admixed American, 0.0017%; no homozygotes.

Submission:

GeneDx
Classification: Uncertain significance. Last evaluated: 2026-03-05. Review status: criteria provided, single submitter. Criteria: GeneDx Variant Classification Process June 2021. Collection method: clinical testing. Allele origin: germline.
Comment: Not observed at significant frequency in large population cohorts (gnomAD); Missense variant in a gene in which most reported pathogenic variants are truncating/loss of function; Has not been previously published as pathogenic or benign to our knowledge

NM_001267550.2(TTN):c.79211C>A (p.Thr26404Asn)

Genes: TTN (titin; minus strand), TTN-AS1 (TTN antisense RNA 1; plus strand). Cytogenetic location: 2q31.2.
Variant type: single nucleotide variant.
Coding change: c.79211C>A on transcript NM_001267550.2 (MANE Select); coding-DNA position 79211, C replaced by A.
Protein change: p.Thr26404Asn; replaces threonine 26404 with asparagine.
Molecular consequence: missense variant.
Genome position (GRCh38, 1-based): chr2:178,566,921, G>T on the plus strand (C>A on the coding strand, the complement: TTN is on the minus strand). VCF-style: chr2-178566921-G-T. GRCh37 (hg19) VCF-style: chr2-179431648-G-T.
Other names: c.74288C>A, p.Thr24763Asn (NM_001256850.1); c.52016C>A, p.Thr17339Asn (NM_003319.4); c.71507C>A, p.Thr23836Asn (NM_133378.4); c.52391C>A, p.Thr17464Asn (NM_133432.3); c.52592C>A, p.Thr17531Asn (NM_133437.4); short protein forms T17464N, T23836N, T26404N, T17339N, T17531N, T24763N.
Identifiers: ClinVar variation 5008659 (VCV005008659.1).
Genomic context (GRCh38, chr2:178,566,921, plus strand): 5'-TCTACAATGTAACCAATAATCTCACTTCCACCATCACTATCTGGACGGTTCCAACAGACG[G>T]TCATGGAGTCTTTGGCAATATTTGTGACTTCCAAGCTTTTTGGTGGTCCAGGAAGCACAA-3'
Protein context (NP_001254479.2, residues 26394-26414): EVTNIAKDSM[Thr26404Asn]VCWNRPDSDG